The following is an entry in ClinVar:

ClinVar aggregate classification (germline): Uncertain significance. Review status: criteria provided, multiple submitters, no conflicts (2 of 4 stars). 2 submissions from 2 submitters: Uncertain significance (2). Last evaluated 2021-06-30.

Conditions:
Hereditary cancer-predisposing syndrome. Also called: Hereditary neoplastic syndrome; Tumor predisposition; Neoplastic Syndromes, Hereditary; Hereditary Cancer Syndrome. Identifiers: Orphanet 140162, MedGen C0027672, MeSH D009386, MONDO:0015356.
Microcephaly, normal intelligence and immunodeficiency (NBS). Also called: Immunodeficiency, microcephaly with normal intelligence; Nijmegen breakage syndrome; Ataxia telangiectasia variant V1; SEEMANOVA SYNDROME II; BERLIN BREAKAGE SYNDROME; IMMUNODEFICIENCY, MICROCEPHALY, AND CHROMOSOMAL INSTABILITY. Identifiers: Orphanet 647, MedGen C0398791, MONDO:0009623, OMIM 251260.

Submissions (2):

Ambry Genetics
Classification: Uncertain significance for Hereditary cancer-predisposing syndrome. Last evaluated: 2021-06-30. Review status: criteria provided, single submitter. Criteria: Ambry Variant Classification Scheme 2023. Collection method: clinical testing. Allele origin: germline.
Comment: The c.1846-3T>C intronic variant results from a T to C substitution 3 nucleotides upstream from coding exon 12 in the NBN gene. This nucleotide position is well conserved in available vertebrate species. In silico splice site analysis predicts that this alteration will not have any significant effect on splicing. Since supporting evidence is limited at this time, the clinical significance of this alteration remains unclear.

Labcorp Genetics (formerly Invitae), Labcorp
Classification: Uncertain significance for Microcephaly, normal intelligence and immunodeficiency. Last evaluated: 2020-02-05. Review status: criteria provided, single submitter. Criteria: Invitae Variant Classification Sherloc (09022015). Collection method: clinical testing. Allele origin: germline.
Comment: In summary, the available evidence is currently insufficient to determine the role of this variant in disease. Therefore, it has been classified as a Variant of Uncertain Significance. Nucleotide substitutions within the consensus splice site are a relatively common cause of aberrant splicing (PMID: 17576681, 9536098). This variant has not been reported in the literature in individuals with NBN-related conditions. This variant is not present in population databases (ExAC no frequency). This sequence change falls in intron 11 of the NBN gene. It does not directly change the encoded amino acid sequence of the NBN protein, but it affects a nucleotide within the consensus splice site of the intron.

Literature cited by the submitters: PubMed 17576681 (cited by Labcorp Genetics (formerly Invitae), Labcorp); PubMed 9536098 (cited by Labcorp Genetics (formerly Invitae), Labcorp).

NM_002485.5(NBN):c.1846-3T>C

Genes: NBN (nibrin; minus strand), LOC126860438 (MED14-independent group 3 enhancer GRCh37_chr8:90959982-90961181; plus strand). Cytogenetic location: 8q21.3.
Variant type: single nucleotide variant.
Coding change: c.1846-3T>C on transcript NM_002485.5 (MANE Select); 3 bases into the intron before coding-DNA position 1846, T replaced by C.
Molecular consequence: intron variant.
Genome position (GRCh38, 1-based): chr8:89,947,895, A>G on the plus strand (T>C on the coding strand, the complement: NBN is on the minus strand). VCF-style: chr8-89947895-A-G. GRCh37 (hg19) VCF-style: chr8-90960123-A-G.
Other names: c.1600-3T>C (NM_001024688.3).
Identifiers: ClinVar variation 963028 (VCV000963028.12), dbSNP rs1810272337, ClinGen allele CA1139660640.